The following is an entry in ClinVar:

NM_001349253.2(SCN11A):c.1428del (p.Asp477fs)

Gene: SCN11A (sodium voltage-gated channel alpha subunit 11; minus strand). Cytogenetic location: 3p22.2.
Variant type: Deletion.
Coding change: c.1428del on transcript NM_001349253.2 (MANE Select); coding-DNA position 1428, one base deleted (A; older notation c.1428delA).
Protein change: p.Asp477fs; shifts the reading frame from aspartic acid 477.
Molecular consequence: frameshift variant.
Genome position (GRCh38, 1-based): chr3:38,907,994, T deleted on the plus strand (A on the coding strand, the reverse complement: SCN11A is on the minus strand); the first of 3 consecutive T bases (chr3:38,907,994-38,907,996); deleting any one gives the same sequence. VCF-style (leftmost placement, unchanged base first): chr3-38907993-CT-C. GRCh37 (hg19) VCF-style: chr3-38949484-CT-C.
Other names: c.1428del, p.Asp477fs (NM_014139.3); short protein forms D477fs.
Identifiers: ClinVar variation 1772422 (VCV001772422.2), dbSNP rs2470595070, ClinGen allele CA2580069792.

ClinVar aggregate classification (germline): Uncertain significance (1 of 4 stars; one submission).

Conditions:
Inborn genetic diseases. Identifiers: MedGen C0950123, MeSH D030342.

Submission:

Ambry Genetics
Classification: Uncertain significance for Inborn genetic diseases. Last evaluated: 2020-02-19. Review status: criteria provided, single submitter. Criteria: Ambry Variant Classification Scheme 2023. Collection method: clinical testing. Allele origin: germline.
Comment: The c.1428delA variant, located in coding exon 10 of the SCN11A gene, results from a deletion of one nucleotide at nucleotide position 1428, causing a translational frameshift with a predicted alternate stop codon (p.D477Tfs*19). This alteration is expected to result in loss of function by premature protein truncation or nonsense-mediated mRNA decay. However, loss of function of SCN11A has not been established as a mechanism of disease. Since supporting evidence is limited at this time, the clinical significance of this alteration remains unclear.